The following is an entry in ClinVar:

ClinVar aggregate classification (germline): Uncertain significance (1 of 4 stars; one submission).

Submission:

Labcorp Genetics (formerly Invitae), Labcorp
Classification: Uncertain significance. Last evaluated: 2023-10-23. Review status: criteria provided, single submitter. Criteria: Invitae Variant Classification Sherloc (09022015). Collection method: clinical testing. Allele origin: germline.
Comment: This sequence change replaces proline, which is neutral and non-polar, with arginine, which is basic and polar, at codon 284 of the HOXB13 protein (p.Pro284Arg). This variant is not present in population databases (gnomAD no frequency). This variant has not been reported in the literature in individuals affected with HOXB13-related conditions. An algorithm developed to predict the effect of missense changes on protein structure and function (PolyPhen-2) suggests that this variant is likely to be disruptive. In summary, the available evidence is currently insufficient to determine the role of this variant in disease. Therefore, it has been classified as a Variant of Uncertain Significance.

NM_006361.6(HOXB13):c.851C>G (p.Pro284Arg)

Gene: HOXB13 (homeobox B13; minus strand). Cytogenetic location: 17q21.32.
Variant type: single nucleotide variant.
Coding change: c.851C>G on transcript NM_006361.6 (MANE Select); coding-DNA position 851, C replaced by G.
Protein change: p.Pro284Arg; replaces proline 284 with arginine.
Molecular consequence: missense variant.
Genome position (GRCh38, 1-based): chr17:48,726,794, G>C on the plus strand (C>G on the coding strand, the complement: HOXB13 is on the minus strand). VCF-style: chr17-48726794-G-C. GRCh37 (hg19) VCF-style: chr17-46804156-G-C.
Other names: short protein forms P284R.
Identifiers: ClinVar variation 2886174 (VCV002886174.3), dbSNP rs2509512677, ClinGen allele CA400105114.